The following is an entry in ClinVar:

NM_001267550.2(TTN):c.83065G>C (p.Ala27689Pro)

Genes: TTN (titin; minus strand), TTN-AS1 (TTN antisense RNA 1; plus strand). Cytogenetic location: 2q31.2.
Variant type: single nucleotide variant.
Coding change: c.83065G>C on transcript NM_001267550.2 (MANE Select); coding-DNA position 83065, G replaced by C.
Protein change: p.Ala27689Pro; replaces alanine 27689 with proline.
Molecular consequence: missense variant.
Genome position (GRCh38, 1-based): chr2:178,563,067, C>G on the plus strand (G>C on the coding strand, the complement: TTN is on the minus strand). VCF-style: chr2-178563067-C-G. GRCh37 (hg19) VCF-style: chr2-179427794-C-G.
Other names: c.78142G>C, p.Ala26048Pro (NM_001256850.1); c.55870G>C, p.Ala18624Pro (NM_003319.4); c.75361G>C, p.Ala25121Pro (NM_133378.4); c.56245G>C, p.Ala18749Pro (NM_133432.3); c.56446G>C, p.Ala18816Pro (NM_133437.4); short protein forms A18624P, A18749P, A18816P, A25121P, A26048P, A27689P.
Identifiers: ClinVar variation 1321594 (VCV001321594.2), dbSNP rs761181487, ClinGen allele CA349569726.

ClinVar aggregate classification (germline): Uncertain significance (1 of 4 stars; one submission).

Submission:

GeneDx
Classification: Uncertain significance. Last evaluated: 2021-03-25. Review status: criteria provided, single submitter. Criteria: GeneDx Variant Classification Process June 2021. Collection method: clinical testing. Allele origin: germline. Affected: yes.
Comment: Not observed at a significant frequency in large population cohorts (Lek et al., 2016); Missense variant in a gene in which most reported pathogenic variants are truncating/loss-of-function; Has not been previously published as pathogenic or benign to our knowledge; This variant is associated with the following publications: (PMID: 27535533)